The following is an entry in ClinVar:

ClinVar aggregate classification (germline): Pathogenic (1 of 4 stars; one submission).

Conditions:
Cone-rod dystrophy 12 (CORD12). Identifiers: Orphanet 1872, MedGen C2675210, MONDO:0012983, OMIM 612657.

Submission:

Institute of Human Genetics, University of Leipzig Medical Center
Classification: Pathogenic for Cone-rod dystrophy 12. Last evaluated: 2024-04-04. Review status: criteria provided, single submitter. Criteria: ACMG Guidelines, 2015. Collection method: clinical testing. Allele origin: unknown. Inheritance: Autosomal recessive inheritance. Affected: yes.
Comment: Criteria applied: PVS1,PM2_SUP,PM3_SUP

NM_033100.4(CDHR1):c.849C>A (p.Tyr283Ter)

Gene: CDHR1 (cadherin related family member 1; plus strand). Cytogenetic location: 10q23.1.
Variant type: single nucleotide variant.
Coding change: c.849C>A on transcript NM_033100.4 (MANE Select); coding-DNA position 849, C replaced by A.
Protein change: p.Tyr283Ter; replaces tyrosine 283 with a stop codon.
Molecular consequence: nonsense.
Genome position (GRCh38, 1-based): chr10:84,204,592, C>A. VCF-style: chr10-84204592-C-A. GRCh37 (hg19) VCF-style: chr10-85964348-C-A.
Other names: c.849C>A, p.Tyr283Ter (NM_001171971.3); short protein forms Y283*.
Identifiers: ClinVar variation 3358939 (VCV003358939.2).